The following is an entry in ClinVar:

NM_001365.5(DLG4):c.94A>G (p.Ser32Gly)

Genes: ACADVL (acyl-CoA dehydrogenase very long chain; plus strand), DLG4 (discs large MAGUK scaffold protein 4; minus strand). Cytogenetic location: 17p13.1.
Variant type: single nucleotide variant.
Coding change: c.94A>G on transcript NM_001365.5 (MANE Plus Clinical); coding-DNA position 94, A replaced by G.
Protein change: p.Ser32Gly; replaces serine 32 with glycine.
Molecular consequence: missense variant. On other transcripts: non-coding transcript variant (1), intron variant (1).
Genome position (GRCh38, 1-based): chr17:7,218,565, T>C on the plus strand (A>G on the coding strand, the complement: DLG4 is on the minus strand). VCF-style: chr17-7218565-T-C. GRCh37 (hg19) VCF-style: chr17-7121884-T-C.
Other names: c.94A>G, p.Ser32Gly (NM_001321074.1); c.131+747T>C (NM_001270447.2); short protein forms S32G.
Identifiers: ClinVar variation 2647321 (VCV002647321.23), dbSNP rs565495109, ClinGen allele CA8337421.

ClinVar aggregate classification (germline): Likely benign. Review status: criteria provided, single submitter (1 of 4 stars). 2 submissions from 2 submitters: Likely benign (1). 1 of the submissions does not count toward it. Last evaluated 2026-06-01.

Conditions:
DLG4-related disorder. Also called: DLG4-related condition.

Allele frequency attached by ClinVar (database versions not stated): gnomAD 0.00011; 1000 Genomes Project 30x 0.00062; ExAC 0.00137; gnomAD exomes 0.00026; TOPMed 0.00005; 1000 Genomes Project 0.00080.
gnomAD v4.1: 396 of 1,564,080 alleles (0.025%); highest among the groups gnomAD compares: South Asian, 0.41%; no homozygotes.

Submissions (2):

CeGaT Center for Human Genetics Tuebingen
Classification: Likely benign. Last evaluated: 2026-06-01. Review status: criteria provided, single submitter. Criteria: CeGaT Center For Human Genetics Tuebingen Variant Classification Criteria Version 2. Collection method: clinical testing. Allele origin: germline. Affected: yes. Observed: 4 variant alleles.
Comment: DLG4: BP4, BS1

PreventionGenetics, part of Exact Sciences
Classification: Likely benign for DLG4-related condition. Last evaluated: 2021-02-17. Review status: no assertion criteria provided. Collection method: clinical testing. Allele origin: germline. Not counted in ClinVar's aggregate classification.
Comment: This variant is classified as likely benign based on ACMG/AMP sequence variant interpretation guidelines (Richards et al. 2015 PMID: 25741868, with internal and published modifications).